The following is an entry in ClinVar:

NM_017763.6(RNF43):c.1856T>G (p.Leu619Arg)

Gene: RNF43 (ring finger protein 43; minus strand). Cytogenetic location: 17q22.
Variant type: single nucleotide variant.
Coding change: c.1856T>G on transcript NM_017763.6 (MANE Select); coding-DNA position 1856, T replaced by G.
Protein change: p.Leu619Arg; replaces leucine 619 with arginine.
Molecular consequence: missense variant.
Genome position (GRCh38, 1-based): chr17:58,357,920, A>C on the plus strand (T>G on the coding strand, the complement: RNF43 is on the minus strand). VCF-style: chr17-58357920-A-C. GRCh37 (hg19) VCF-style: chr17-56435281-A-C.
Other names: c.1856T>G, p.Leu619Arg (NM_001305544.3); c.1475T>G, p.Leu492Arg (NM_001305545.2); short protein forms L492R, L619R.
Identifiers: ClinVar variation 3434524 (VCV003434524.1).

ClinVar aggregate classification (germline): Uncertain significance (1 of 4 stars; one submission).

Submission:

Ambry Genetics
Classification: Uncertain significance. Last evaluated: 2024-11-28. Review status: criteria provided, single submitter. Criteria: Ambry Variant Classification Scheme 2023. Collection method: clinical testing. Allele origin: germline.
Comment: The p.L619R variant (also known as c.1856T>G), located in coding exon 8 of the RNF43 gene, results from a T to G substitution at nucleotide position 1856. The leucine at codon 619 is replaced by arginine, an amino acid with dissimilar properties. This amino acid position is conserved. In addition, this alteration is predicted to be tolerated by in silico analysis. Based on the available evidence, the clinical significance of this variant remains unclear.